The following is an entry in ClinVar:

NM_000540.3(RYR1):c.5718G>C (p.Glu1906Asp)

Gene: RYR1 (ryanodine receptor 1; plus strand). Cytogenetic location: 19q13.2.
Variant type: single nucleotide variant.
Coding change: c.5718G>C on transcript NM_000540.3 (MANE Select); coding-DNA position 5718, G replaced by C.
Protein change: p.Glu1906Asp; replaces glutamic acid 1906 with aspartic acid.
Molecular consequence: missense variant.
Genome position (GRCh38, 1-based): chr19:38,489,347, G>C. VCF-style: chr19-38489347-G-C. GRCh37 (hg19) VCF-style: chr19-38979987-G-C.
Other names: c.5718G>C, p.Glu1906Asp (NM_001042723.2); short protein forms E1906D.
Identifiers: ClinVar variation 4758838 (VCV004758838.1).

ClinVar aggregate classification (germline): Uncertain significance (1 of 4 stars; one submission).

Conditions:
Malignant hyperthermia, susceptibility to, 1 (MHS1). Also called: RYR1-Related Malignant Hyperthermia Susceptibility; Malignant hyperthermia suceptibility 1; Anesthesia related hyperthermia; Malignant hyperpyrexia; Fulminating hyperpyrexia; Pharmacogenic myopathy. Identifiers: Orphanet 423, MedGen C2930980, MONDO:0007783, OMIM 145600.

gnomAD v4.1: 2 of 1,611,254 alleles (0.00012%); highest among the groups gnomAD compares: Non-Finnish European, 0.00017%; no homozygotes.

Submission:

Color Diagnostics, LLC DBA Color Health
Classification: Uncertain significance for Malignant hyperthermia, susceptibility to, 1. Last evaluated: 2025-06-23. Review status: criteria provided, single submitter. Criteria: ACMG Guidelines, 2015. Collection method: clinical testing. Allele origin: germline.
Comment: This missense variant replaces glutamic acid with aspartic acid at codon 1906 of the RYR1 protein. Computational prediction suggests that this variant may not impact protein structure and function. To our knowledge, functional studies have not been reported for this variant. This variant has not been reported in individuals affected with RYR1-related disorders in the literature. This variant has been identified in 1/248814 chromosomes in the general population by the Genome Aggregation Database (gnomAD). The available evidence is insufficient to determine the role of this variant in disease conclusively. Therefore, this variant is classified as a Variant of Uncertain Significance.